The following is an entry in ClinVar:

ClinVar aggregate classification (germline): Pathogenic. Review status: criteria provided, multiple submitters, no conflicts (2 of 4 stars). 3 submissions from 3 submitters: Pathogenic (2). 1 of the submissions does not count toward it. Last evaluated 2021-10-14.

Conditions:
NFIX-related disorder. Also called: NFIX-related condition.
Marshall-Smith syndrome (MRSHSS). Identifiers: Orphanet 561, MedGen C0265211, MONDO:0011244, OMIM 602535.

Submissions (3):

Blueprint Genetics
Classification: Pathogenic for NFIX-related disorders. Last evaluated: 2021-10-14. Review status: criteria provided, single submitter. Criteria: ACMG Guidelines, 2015. Collection method: clinical testing. Allele origin: germline. Affected: yes. Observed: 1 variant allele.

GeneDx
Classification: Pathogenic. Last evaluated: 2021-10-07. Review status: criteria provided, single submitter. Criteria: GeneDx Variant Classification Process June 2021. Collection method: clinical testing. Allele origin: germline. Affected: yes.
Comment: Canonical splice site variant predicted to result in a null allele in a gene for which loss-of-function is a known mechanism of disease; This variant is associated with the following publications: (PMID: 25525159, 20673863)

OMIM
Classification: Pathogenic for MARSHALL-SMITH SYNDROME. Last evaluated: 2010-08-13. Review status: no assertion criteria provided. Collection method: literature only. Allele origin: germline. Not counted in ClinVar's aggregate classification.

Literature cited by the submitters: PubMed 20673863 (cited by OMIM).

NM_001365902.3(NFIX):c.955+1G>A

Gene: NFIX (nuclear factor I X; plus strand). Cytogenetic location: 19p13.13.
Variant type: single nucleotide variant.
Coding change: c.955+1G>A on transcript NM_001365902.3 (MANE Select); the canonical splice donor site of the intron after coding-DNA position 955, G replaced by A.
Molecular consequence: splice donor variant.
Genome position (GRCh38, 1-based): chr19:13,075,672, G>A. VCF-style: chr19-13075672-G-A. GRCh37 (hg19) VCF-style: chr19-13186486-G-A.
Other names: IVS6DS, G-A, +1; c.955+1G>A (NM_002501.4, NM_001365982.2); c.931+1G>A (NM_001378404.1, NM_001271044.3); c.1003+1G>A (NM_001378405.1); c.814+1G>A (NM_001365983.2); c.979+1G>A (NM_001271043.2); c.952+1G>A (NM_001365984.2, NM_001365985.2).
Identifiers: ClinVar variation 36964 (VCV000036964.5), dbSNP rs398122876, ClinGen allele CA130003.